The following is an entry in ClinVar:

ClinVar aggregate classification (germline): Uncertain significance (1 of 4 stars; one submission).

Conditions:
Idiopathic Pulmonary Fibrosis. Also called: Idiopathic fibrosing alveolitis, chronic form; idiopathic fibrosing alveolitis. Identifiers: Orphanet 2032, MedGen C1800706, MeSH D054990, MONDO:0800504.
Dyskeratosis congenita, autosomal dominant 2. Identifiers: MedGen C3151443, MONDO:0013521, OMIM 613989.

gnomAD v4.1: 4 of 1,612,862 alleles (0.00025%); highest among the groups gnomAD compares: Non-Finnish European, 0.00034%; no homozygotes.

Submission:

Labcorp Genetics (formerly Invitae), Labcorp
Classification: Uncertain significance for Dyskeratosis congenita, autosomal dominant 2; Idiopathic Pulmonary Fibrosis. Last evaluated: 2024-08-06. Review status: criteria provided, single submitter. Criteria: Invitae Variant Classification Sherloc (09022015). Collection method: clinical testing. Allele origin: germline.
Comment: This sequence change replaces alanine, which is neutral and non-polar, with threonine, which is neutral and polar, at codon 778 of the TERT protein (p.Ala778Thr). This variant is not present in population databases (gnomAD no frequency). This variant has not been reported in the literature in individuals affected with TERT-related conditions. ClinVar contains an entry for this variant (Variation ID: 957698). Advanced modeling of protein sequence and biophysical properties (such as structural, functional, and spatial information, amino acid conservation, physicochemical variation, residue mobility, and thermodynamic stability) performed at Invitae indicates that this missense variant is not expected to disrupt TERT protein function with a negative predictive value of 95%. In summary, the available evidence is currently insufficient to determine the role of this variant in disease. Therefore, it has been classified as a Variant of Uncertain Significance.

NM_198253.3(TERT):c.2332G>A (p.Ala778Thr)

Gene: TERT (telomerase reverse transcriptase; minus strand). Cytogenetic location: 5p15.33.
Variant type: single nucleotide variant.
Coding change: c.2332G>A on transcript NM_198253.3 (MANE Select); coding-DNA position 2332, G replaced by A.
Protein change: p.Ala778Thr; replaces alanine 778 with threonine.
Molecular consequence: missense variant.
Genome position (GRCh38, 1-based): chr5:1,272,235, C>T on the plus strand (G>A on the coding strand, the complement: TERT is on the minus strand). VCF-style: chr5-1272235-C-T. GRCh37 (hg19) VCF-style: chr5-1272350-C-T.
Other names: c.2332G>A, p.Ala778Thr (NM_001193376.3); short protein forms A778T.
Identifiers: ClinVar variation 957698 (VCV000957698.9), dbSNP rs781360741, ClinGen allele CA359076355.